The following is an entry in ClinVar:

ClinVar aggregate classification (germline): Uncertain significance (1 of 4 stars; one submission).

Conditions:
Inborn genetic diseases. Identifiers: MedGen C0950123, MeSH D030342.

gnomAD v4.1: 5 of 1,613,804 alleles (0.00031%); highest among the groups gnomAD compares: Non-Finnish European, 0.00042%; no homozygotes.

Submission:

Ambry Genetics
Classification: Uncertain significance for Inborn genetic diseases. Last evaluated: 2025-04-18. Review status: criteria provided, single submitter. Criteria: Ambry Variant Classification Scheme 2023. Collection method: clinical testing. Allele origin: germline.
Comment: The p.M46I variant (also known as c.138G>T), located in coding exon 2 of the ASXL1 gene, results from a G to T substitution at nucleotide position 138. The methionine at codon 46 is replaced by isoleucine, an amino acid with highly similar properties. This amino acid position is conserved. In addition, this alteration is predicted to be tolerated by in silico analysis. Based on the available evidence, the clinical significance of this variant remains unclear.

NM_015338.6(ASXL1):c.138G>T (p.Met46Ile)

Gene: ASXL1 (ASXL transcriptional regulator 1; plus strand). Cytogenetic location: 20q11.21.
Variant type: single nucleotide variant.
Coding change: c.138G>T on transcript NM_015338.6 (MANE Select); coding-DNA position 138, G replaced by T.
Protein change: p.Met46Ile; replaces methionine 46 with isoleucine.
Molecular consequence: missense variant.
Genome position (GRCh38, 1-based): chr20:32,366,464, G>T. VCF-style: chr20-32366464-G-T. GRCh37 (hg19) VCF-style: chr20-30954267-G-T.
Other names: c.138G>T, p.Met46Ile (NM_001164603.1); c.108G>T, p.Met36Ile (NM_001363734.1); short protein forms M36I, M46I.
Identifiers: ClinVar variation 3956227 (VCV003956227.1).